The following is an entry in ClinVar:

ClinVar aggregate classification (germline): Uncertain significance (1 of 4 stars; one submission).

Submission:

Labcorp Genetics (formerly Invitae), Labcorp
Classification: Uncertain significance. Last evaluated: 2023-02-22. Review status: criteria provided, single submitter. Criteria: Invitae Variant Classification Sherloc (09022015). Collection method: clinical testing. Allele origin: germline.
Comment: In summary, the available evidence is currently insufficient to determine the role of this variant in disease. Therefore, it has been classified as a Variant of Uncertain Significance. An algorithm developed to predict the effect of missense changes on protein structure and function (PolyPhen-2) suggests that this variant is likely to be tolerated. ClinVar contains an entry for this variant (Variation ID: 968965). This missense change has been observed in individuals with clinical features of RP1-related conditions (Invitae). This variant is not present in population databases (gnomAD no frequency). This sequence change replaces valine, which is neutral and non-polar, with isoleucine, which is neutral and non-polar, at codon 1881 of the RP1 protein (p.Val1881Ile).

NM_006269.2(RP1):c.5641G>A (p.Val1881Ile)

Genes: RP1 (RP1 axonemal microtubule associated; plus strand), LOC126860392 (CDK7 strongly-dependent group 2 enhancer GRCh37_chr8:55541319-55542518; plus strand). Cytogenetic location: 8q12.1.
Variant type: single nucleotide variant.
Coding change: c.5641G>A on transcript NM_006269.2 (MANE Select); coding-DNA position 5641, G replaced by A.
Protein change: p.Val1881Ile; replaces valine 1881 with isoleucine.
Molecular consequence: missense variant. On other transcripts: intron variant (1).
Genome position (GRCh38, 1-based): chr8:54,629,523, G>A. VCF-style: chr8-54629523-G-A. GRCh37 (hg19) VCF-style: chr8-55542083-G-A.
Other names: c.787+7235G>A (NM_001375654.1); short protein forms V1881I.
Identifiers: ClinVar variation 968965 (VCV000968965.10), dbSNP rs1421994703, ClinGen allele CA370987515.